The following is an entry in ClinVar:

ClinVar aggregate classification (germline): Uncertain significance (1 of 4 stars; one submission).

Conditions:
Inborn genetic diseases. Identifiers: MedGen C0950123, MeSH D030342.

Allele frequency attached by ClinVar (database versions not stated): gnomAD exomes below 0.00001.

Submission:

Ambry Genetics
Classification: Uncertain significance for Inborn genetic diseases. Last evaluated: 2023-02-16. Review status: criteria provided, single submitter. Criteria: Ambry Variant Classification Scheme 2023. Collection method: clinical testing. Allele origin: germline.
Comment: The p.R166Q variant (also known as c.497G>A), located in coding exon 5 of the EPAS1 gene, results from a G to A substitution at nucleotide position 497. The arginine at codon 166 is replaced by glutamine, an amino acid with highly similar properties. This amino acid position is conserved. In addition, this alteration is predicted to be tolerated by in silico analysis. Since supporting evidence is limited at this time, the clinical significance of this alteration remains unclear.

NM_001430.5(EPAS1):c.497G>A (p.Arg166Gln)

Genes: EPAS1 (endothelial PAS domain protein 1; plus strand), LOC126806210 (BRD4-independent group 4 enhancer GRCh37_chr2:46587586-46588785; plus strand). Cytogenetic location: 2p21.
Variant type: single nucleotide variant.
Coding change: c.497G>A on transcript NM_001430.5 (MANE Select); coding-DNA position 497, G replaced by A.
Protein change: p.Arg166Gln; replaces arginine 166 with glutamine.
Molecular consequence: missense variant.
Genome position (GRCh38, 1-based): chr2:46,360,680, G>A. VCF-style: chr2-46360680-G-A. GRCh37 (hg19) VCF-style: chr2-46587819-G-A.
Other names: short protein forms R166Q.
Identifiers: ClinVar variation 2456642 (VCV002456642.2), dbSNP rs1267580705, ClinGen allele CA346699106.